The following is an entry in ClinVar:

NM_002875.5(RAD51):c.859A>T (p.Ile287Phe)

Gene: RAD51 (RAD51 recombinase; plus strand). Cytogenetic location: 15q15.1.
Variant type: single nucleotide variant.
Coding change: c.859A>T on transcript NM_002875.5 (MANE Select); coding-DNA position 859, A replaced by T.
Protein change: p.Ile287Phe; replaces isoleucine 287 with phenylalanine.
Molecular consequence: missense variant. On other transcripts: intron variant (1).
Genome position (GRCh38, 1-based): chr15:40,729,937, A>T. VCF-style: chr15-40729937-A-T. GRCh37 (hg19) VCF-style: chr15-41022135-A-T.
Other names: c.862A>T, p.Ile288Phe (NM_001164269.2, NM_133487.4); c.774+303A>T (NM_001164270.2); short protein forms I288F, I287F.
Identifiers: ClinVar variation 3312356 (VCV003312356.1).

ClinVar aggregate classification (germline): Uncertain significance (1 of 4 stars; one submission).

Conditions:
Inborn genetic diseases. Identifiers: MedGen C0950123, MeSH D030342.

Submission:

Ambry Genetics
Classification: Uncertain significance for Inborn genetic diseases. Last evaluated: 2024-04-01. Review status: criteria provided, single submitter. Criteria: Ambry Variant Classification Scheme 2023. Collection method: clinical testing. Allele origin: germline.
Comment: The p.I287F variant (also known as c.859A>T), located in coding exon 8 of the RAD51 gene, results from an A to T substitution at nucleotide position 859. The isoleucine at codon 287 is replaced by phenylalanine, an amino acid with highly similar properties. This amino acid position is conserved. In addition, this alteration is predicted to be deleterious by in silico analysis. Based on the available evidence, the clinical significance of this alteration remains unclear.